The following is an entry in ClinVar:

ClinVar aggregate classification (germline): Benign/Likely benign. Review status: criteria provided, multiple submitters, no conflicts (2 of 4 stars). 5 submissions from 5 submitters: Benign (2); Likely benign (2). 1 of the submissions does not count toward it. Last evaluated 2026-01-24.

Allele frequency attached by ClinVar (database versions not stated): gnomAD exomes 0.00063 and 0.00170; ExAC 0.00193; gnomAD 0.00593 and 0.00622; ESP Exome Variant Server 0.00667; TOPMed 0.00712; 1000 Genomes Project 0.00879; 1000 Genomes Project 30x 0.00984.
gnomAD v4.1: 1,854 of 1,613,950 alleles (0.11%); highest among the groups gnomAD compares: African/African-American, 2.1%; 21 homozygotes.

Submissions (5):

Labcorp Genetics (formerly Invitae), Labcorp
Classification: Benign. Last evaluated: 2026-01-24. Review status: criteria provided, single submitter. Criteria: Invitae Variant Classification Sherloc (09022015). Collection method: clinical testing. Allele origin: germline.

GeneDx
Classification: Likely benign. Last evaluated: 2025-03-10. Review status: criteria provided, single submitter. Criteria: GeneDx Variant Classification Process June 2021. Collection method: clinical testing. Allele origin: germline. Affected: yes.
Comment: See Variant Classification Assertion Criteria.

Mayo Clinic Laboratories, Mayo Clinic
Classification: Benign. Last evaluated: 2023-08-14. Review status: criteria provided, single submitter. Criteria: ACMG Guidelines, 2015. Collection method: clinical testing. Allele origin: germline. Observed: 3 variant alleles.
Comment: BS1, BS2, BP4

Breakthrough Genomics
Classification: Likely benign. Review status: criteria provided, single submitter. Criteria: ACMG Guidelines, 2015. Collection method: not provided. Allele origin: germline. Inheritance: Unknown mechanism. Affected: yes.

Department of Pathology and Laboratory Medicine, Sinai Health System
Classification: Likely benign. Review status: no assertion criteria provided. Collection method: clinical testing. Allele origin: unknown. Affected: yes. Study: The Canadian Open Genetics Repository (COGR). Not counted in ClinVar's aggregate classification.
Comment: The FAT1 p.Arg1795Gln variant was not identified in the literature nor was it identified in ClinVar or Cosmic. The variant was identified in dbSNP (ID: rs56790426) and LOVD 3.0 databases. The variant was identified in control databases in 586 of 280072 chromosomes (4 homozygous) at a frequency of 0.002092 increasing the likelihood this could be a low frequency benign variant (Genome Aggregation Database Feb 27, 2017). The variant was observed in the following populations: African in 493 of 24190 chromosomes (freq: 0.02038), Latino in 64 of 35346 chromosomes (freq: 0.001811), Other in 6 of 7114 chromosomes (freq: 0.000843), European (non-Finnish) in 23 of 128022 chromosomes (freq: 0.00018), while the variant was not observed in the Ashkenazi Jewish, East Asian, European (Finnish), and South Asian populations. The p.Arg1795 residue is conserved in mammals but not in more distantly related organisms. However four out of five computational analyses (PolyPhen-2, SIFT, AlignGVGD, BLOSUM,) do not suggest a high likelihood of impact to the protein; this information is not predictive enough to rule out pathogenicity. The variant occurs outside of the splicing consensus sequence and in silico or computational prediction software programs (SpliceSiteFinder, MaxEntScan, NNSPLICE, GeneSplicer) do not predict a difference in splicing. In summary, based on the above information the clinical significance of this variant cannot be determined with certainty at this time although we would lean towards a more benign role for this variant. This variant is classified as likely benign.

NM_005245.4(FAT1):c.5384G>A (p.Arg1795Gln)

Gene: FAT1 (FAT atypical cadherin 1; minus strand). Cytogenetic location: 4q35.2.
Variant type: single nucleotide variant.
Coding change: c.5384G>A on transcript NM_005245.4 (MANE Select); coding-DNA position 5384, G replaced by A.
Protein change: p.Arg1795Gln; replaces arginine 1795 with glutamine.
Molecular consequence: missense variant.
Genome position (GRCh38, 1-based): chr4:186,621,202, C>T on the plus strand (G>A on the coding strand, the complement: FAT1 is on the minus strand). VCF-style: chr4-186621202-C-T. GRCh37 (hg19) VCF-style: chr4-187542356-C-T.
Other names: p.Arg1795Gln; short protein forms R1795Q.
Identifiers: ClinVar variation 717846 (VCV000717846.17), dbSNP rs56790426, ClinGen allele CA3166471.